The following is an entry in ClinVar:

ClinVar aggregate classification (germline): Conflicting classifications of pathogenicity. Review status: criteria provided, conflicting classifications (1 of 4 stars). 8 submissions from 8 submitters: Uncertain significance (1); Likely benign (2). 5 of the submissions do not count toward it. Last evaluated 2026-01-06.

Conditions:
Heterotaxy, visceral, 1, X-linked (HTX1). Also called: DEXTROCARDIA WITH OTHER CARDIAC MALFORMATIONS; Laterality, X-linked; Visceral heterotaxia; SITUS INVERSUS, COMPLEX CARDIAC DEFECTS, AND SPLENIC DEFECTS, X-LINKED. Identifiers: Orphanet 450, MedGen C1844020, MONDO:0010607, OMIM 306955.
ZIC3-related disorder. Also called: ZIC3-Related Disorders; ZIC3-related condition.

Submissions (8):

Labcorp Genetics (formerly Invitae), Labcorp
Classification: Likely benign for Heterotaxy, visceral, 1, X-linked. Last evaluated: 2026-01-06. Review status: criteria provided, single submitter. Criteria: Invitae Variant Classification Sherloc (09022015). Collection method: clinical testing. Allele origin: germline.

Blueprint Genetics
Classification: Likely benign. Last evaluated: 2024-11-01. Review status: criteria provided, single submitter. Criteria: ACMG Guidelines, 2015. Collection method: clinical testing. Allele origin: germline.

Eurofins Ntd Llc (ga)
Classification: Uncertain significance. Last evaluated: 2015-11-02. Review status: criteria provided, single submitter. Criteria: EGL Classification Definitions. Collection method: clinical testing. Allele origin: germline. Observed: 1 variant allele, 1 heterozygote.

PreventionGenetics, part of Exact Sciences
Classification: Likely benign for ZIC3-related condition. Last evaluated: 2019-11-21. Review status: no assertion criteria provided. Collection method: clinical testing. Allele origin: germline. Not counted in ClinVar's aggregate classification.
Comment: This variant is classified as likely benign based on ACMG/AMP sequence variant interpretation guidelines (Richards et al. 2015 PMID: 25741868, with internal and published modifications).

Clinical Genetics DNA and cytogenetics Diagnostics Lab, Erasmus MC, Erasmus Medical Center
Classification: Likely benign. Review status: no assertion criteria provided. Collection method: clinical testing. Allele origin: germline. Affected: yes. Study: VKGL Data-share Consensus. Not counted in ClinVar's aggregate classification.

Diagnostic Laboratory, Department of Genetics, University Medical Center Groningen
Classification: Benign. Review status: no assertion criteria provided. Collection method: clinical testing. Allele origin: germline. Affected: yes. Study: VKGL Data-share Consensus. Not counted in ClinVar's aggregate classification.

Genome Diagnostics Laboratory, University Medical Center Utrecht
Classification: Likely benign. Review status: no assertion criteria provided. Collection method: clinical testing. Allele origin: germline. Affected: yes. Study: VKGL Data-share Consensus. Not counted in ClinVar's aggregate classification.

Joint Genome Diagnostic Labs from Nijmegen and Maastricht, Radboudumc and MUMC+
Classification: Likely benign. Review status: no assertion criteria provided. Collection method: clinical testing. Allele origin: germline. Affected: yes. Study: VKGL Data-share Consensus. Not counted in ClinVar's aggregate classification.

NM_003413.4(ZIC3):c.135CGC[10] (p.Ala55dup)

Gene: ZIC3 (Zic family zinc finger 3; plus strand). Cytogenetic location: Xq26.3.
Variant type: Microsatellite.
Coding change: c.135CGC[10] on transcript NM_003413.4 (MANE Select); ten copies in a row of the 3-base unit CGC starting at c.135; the reference has nine copies in a row; one copy, 3 bases duplicated; also written c.159_161dup.
Protein change: p.Ala55dup; duplicates alanine 55.
Molecular consequence: inframe insertion.
Genome position (GRCh38, 1-based): chrX:137,566,850-137,566,852, CGC duplicated; duplicating any 3 consecutive bases within chrX:137,566,826-137,566,852 gives the same sequence; the position shown is the placement nearest the transcript's 3' end. VCF-style (leftmost placement, unchanged base first): chrX-137566825-A-ACGC. GRCh37 (hg19) VCF-style: chrX-136648984-A-ACGC.
Other names: c.135CGC[10], p.Ala55dup (NM_001330661.1); c.159_161dup (NM_003413.3).
Identifiers: ClinVar variation 259047 (VCV000259047.27), dbSNP rs748325646, ClinGen allele CA10529265.